The following is an entry in ClinVar:

ClinVar aggregate classification (germline): Uncertain significance (1 of 4 stars; one submission).

Conditions:
Idiopathic generalized epilepsy. Also called: Generalised epilepsy; EIG. Identifiers: MedGen C0270850, MONDO:0005579, OMIM 600669.

gnomAD v4.1: 8 of 1,556,930 alleles (0.00051%); highest among the groups gnomAD compares: Non-Finnish European, 0.00069%; no homozygotes.

Submission:

Labcorp Genetics (formerly Invitae), Labcorp
Classification: Uncertain significance for Idiopathic generalized epilepsy. Last evaluated: 2024-06-20. Review status: criteria provided, single submitter. Criteria: Invitae Variant Classification Sherloc (09022015). Collection method: clinical testing. Allele origin: germline.
Comment: This sequence change replaces proline, which is neutral and non-polar, with threonine, which is neutral and polar, at codon 310 of the RBFOX1 protein (p.Pro310Thr). This variant is not present in population databases (gnomAD no frequency). This variant has not been reported in the literature in individuals affected with RBFOX1-related conditions. Advanced modeling of protein sequence and biophysical properties (such as structural, functional, and spatial information, amino acid conservation, physicochemical variation, residue mobility, and thermodynamic stability) performed at Invitae indicates that this missense variant is not expected to disrupt RBFOX1 protein function with a negative predictive value of 80%. In summary, the available evidence is currently insufficient to determine the role of this variant in disease. Therefore, it has been classified as a Variant of Uncertain Significance.

NM_018723.4(RBFOX1):c.868C>A (p.Pro290Thr)

Gene: RBFOX1 (RNA binding fox-1 homolog 1; plus strand). Cytogenetic location: 16p13.3.
Variant type: single nucleotide variant.
Coding change: c.868C>A on transcript NM_018723.4 (MANE Select); coding-DNA position 868, C replaced by A.
Protein change: p.Pro290Thr; replaces proline 290 with threonine.
Molecular consequence: missense variant.
Genome position (GRCh38, 1-based): chr16:7,653,925, C>A. VCF-style: chr16-7653925-C-A. GRCh37 (hg19) VCF-style: chr16-7703927-C-A.
Other names: c.874C>A, p.Pro292Thr (NM_001415902.1, NM_001415911.1); c.862C>A, p.Pro288Thr (NM_001415903.1, NM_001415913.1); c.928C>A, p.Pro310Thr (NM_001415904.1, NM_145891.3, NM_145892.3 and 2 more transcripts); c.850C>A, p.Pro284Thr (NM_001415905.1); c.847C>A, p.Pro283Thr (NM_001415906.1, NM_001415915.1); c.916C>A, p.Pro306Thr (NM_001415907.1, NM_001415897.1); c.904C>A, p.Pro302Thr (NM_001415908.1); c.895C>A, p.Pro299Thr (NM_001415909.1, NM_001415900.1); and 12 more; short protein forms P284T, P290T, P302T, P268T, P283T, P288T, P295T, P299T.
Identifiers: ClinVar variation 3681104 (VCV003681104.2).